The following is an entry in ClinVar:

ClinVar aggregate classification (germline): Pathogenic (1 of 4 stars; one submission).

Conditions:
Pfeiffer syndrome (ACS5). Also called: ACS V. Identifiers: Orphanet 710, MedGen C0220658, MONDO:0007043, OMIM 101600.
Hypogonadotropic hypogonadism 2 with or without anosmia (HH2). Also called: HYPOGONADOTROPIC HYPOGONADISM 2 WITH OR WITHOUT ANOSMIA, SUSCEPTIBILITY TO; HYPOGONADOTROPIC HYPOGONADISM 2 WITHOUT ANOSMIA; HYPOGONADOTROPIC HYPOGONADISM 2 WITHOUT ANOSMIA, SUSCEPTIBILITY TO; FGFR1-Related GnRH Deficiency (Kallmann Syndrome 2). Identifiers: Orphanet 478, MedGen C1563720, MONDO:0007844, OMIM 147950. Disease mechanism: loss of function.

Submission:

Labcorp Genetics (formerly Invitae), Labcorp
Classification: Pathogenic for Pfeiffer syndrome; Hypogonadotropic hypogonadism 2 with or without anosmia. Last evaluated: 2017-09-07. Review status: criteria provided, single submitter. Criteria: Invitae Variant Classification Sherloc (09022015). Collection method: clinical testing. Allele origin: germline.
Comment: This sequence change affects a donor splice site in intron 10 of the FGFR1 gene. It is expected to disrupt RNA splicing and likely results in an absent or disrupted protein product. This variant is not present in population databases (ExAC no frequency). This variant has not been reported in the literature in individuals with FGFR1-related disease. Donor and acceptor splice site variants typically lead to a loss of protein function (PMID: 16199547), and loss-of-function variants in FGFR1 are known to be pathogenic (PMID: 12627230). For these reasons, this variant has been classified as Pathogenic.

Literature cited by the submitters: PubMed 16199547; PubMed 12627230.

NM_023110.3(FGFR1):c.1430+1G>A

Gene: FGFR1 (fibroblast growth factor receptor 1; minus strand). Cytogenetic location: 8p11.23.
Variant type: single nucleotide variant.
Coding change: c.1430+1G>A on transcript NM_023110.3 (MANE Select); the canonical splice donor site of the intron after coding-DNA position 1430, G replaced by A.
Molecular consequence: splice donor variant.
Genome position (GRCh38, 1-based): chr8:38,418,227, C>T on the plus strand (G>A on the coding strand, the complement: FGFR1 is on the minus strand). VCF-style: chr8-38418227-C-T. GRCh37 (hg19) VCF-style: chr8-38275745-C-T.
Other names: c.1151+1G>A (NM_001354368.2); c.1157+1G>A (NM_001354370.2, NM_023106.3); c.1163+1G>A (NM_023105.3, NM_001174066.2); c.1424+1G>A (NM_001354367.2, NM_015850.4, NM_001174063.2 and 1 more transcripts); c.1400+1G>A (NM_001174064.2); c.1418+1G>A (NM_001354369.2, NM_001410922.1); c.1523+1G>A (NM_001174067.2).
Identifiers: ClinVar variation 463529 (VCV000463529.6), dbSNP rs1554552774, ClinGen allele CA370733169.